The following is an entry in ClinVar:

NM_181458.4(PAX3):c.598C>T (p.Gln200Ter)

Gene: PAX3 (paired box 3; minus strand). Cytogenetic location: 2q36.1.
Variant type: single nucleotide variant.
Coding change: c.598C>T on transcript NM_181458.4 (MANE Select); coding-DNA position 598, C replaced by T.
Protein change: p.Gln200Ter; replaces glutamine 200 with a stop codon.
Molecular consequence: nonsense.
Genome position (GRCh38, 1-based): chr2:222,232,272, G>A on the plus strand (C>T on the coding strand, the complement: PAX3 is on the minus strand). VCF-style: chr2-222232272-G-A. GRCh37 (hg19) VCF-style: chr2-223096991-G-A.
Other names: c.595C>T, p.Gln199Ter (NM_001127366.3); c.598C>T, p.Gln200Ter (NM_181457.4, NM_181459.4, NM_181460.4 and 1 more transcripts); short protein forms Q200*, Q199*.
Identifiers: ClinVar variation 3720418 (VCV003720418.2).

ClinVar aggregate classification (germline): Pathogenic (1 of 4 stars; one submission).

Submission:

Labcorp Genetics (formerly Invitae), Labcorp
Classification: Pathogenic. Last evaluated: 2024-02-14. Review status: criteria provided, single submitter. Criteria: Invitae Variant Classification Sherloc (09022015). Collection method: clinical testing. Allele origin: germline.
Comment: This sequence change creates a premature translational stop signal (p.Gln200*) in the PAX3 gene. It is expected to result in an absent or disrupted protein product. Loss-of-function variants in PAX3 are known to be pathogenic (PMID: 20127975, 23512835). This variant is not present in population databases (gnomAD no frequency). This premature translational stop signal has been observed in individual(s) with Waardenburg syndrome (PMID: 8533800, 28690861). For these reasons, this variant has been classified as Pathogenic.

Literature cited by the submitters: PubMed 20127975; PubMed 23512835; PubMed 8533800; PubMed 28690861.